The following is an entry in ClinVar:

NM_001042492.3(NF1):c.614A>G (p.Lys205Arg)

Gene: NF1 (neurofibromin 1; plus strand). Cytogenetic location: 17q11.2.
Variant type: single nucleotide variant.
Coding change: c.614A>G on transcript NM_001042492.3 (MANE Select); coding-DNA position 614, A replaced by G.
Protein change: p.Lys205Arg; replaces lysine 205 with arginine.
Molecular consequence: missense variant.
Genome position (GRCh38, 1-based): chr17:31,181,449, A>G. VCF-style: chr17-31181449-A-G. GRCh37 (hg19) VCF-style: chr17-29508467-A-G.
Other names: c.614A>G, p.Lys205Arg (NM_000267.4, NM_001128147.3); short protein forms K205R.
Identifiers: ClinVar variation 480207 (VCV000480207.16), dbSNP rs1555608659, ClinGen allele CA398989320.

ClinVar aggregate classification (germline): Uncertain significance. Review status: criteria provided, multiple submitters, no conflicts (2 of 4 stars). 6 submissions from 6 submitters: Uncertain significance (6). Last evaluated 2025-05-05.

Conditions:
Juvenile myelomonocytic leukemia (JMML). Also called: LEUKEMIA, JUVENILE MYELOMONOCYTIC, SOMATIC. Identifiers: Orphanet 86834, MedGen C0349639, MONDO:0011908, OMIM 607785, HP:0012209.
Hereditary cancer-predisposing syndrome. Also called: Tumor predisposition; Hereditary neoplastic syndrome; Hereditary Cancer Syndrome; Neoplastic Syndromes, Hereditary. Identifiers: Orphanet 140162, MedGen C0027672, MeSH D009386, MONDO:0015356.
Cardiovascular phenotype. Identifiers: MedGen CN230736.
Neurofibromatosis, type 1 (NF1). Also called: Neurofibromatosis, type I; VON RECKLINGHAUSEN DISEASE; Peripheral type neurofibromatosis; NEUROFIBROMATOSIS, TYPE I, SOMATIC. Identifiers: Orphanet 636, MedGen C0027831, MONDO:0018975, OMIM 162200. Disease mechanism: loss of function.
Neurofibromatosis, familial spinal (FSNF). Identifiers: Orphanet 636, MedGen C1834235, MONDO:0008078, OMIM 162210. Disease mechanism: loss of function.
Neurofibromatosis-Noonan syndrome (NFNS). Also called: NEUROFIBROMATOSIS WITH NOONAN PHENOTYPE. Identifiers: Orphanet 638, MedGen C2931482, MONDO:0011035, OMIM 601321. Disease mechanism: loss of function.
Café-au-lait macules with pulmonary stenosis (WTSN). Also called: PULMONIC STENOSIS WITH CAFE-AU-LAIT SPOTS. Identifiers: MedGen C0553586, MONDO:0008672, OMIM 193520.

Allele frequency attached by ClinVar (database versions not stated): gnomAD exomes below 0.00001.
gnomAD v4.1: 1 of 1,613,572 alleles (0.000062%); highest among the groups gnomAD compares: Admixed American, 0.0017%; no homozygotes.

Submissions (6):

Labcorp Genetics (formerly Invitae), Labcorp
Classification: Uncertain significance for Neurofibromatosis, type 1. Last evaluated: 2025-05-05. Review status: criteria provided, single submitter. Criteria: Invitae Variant Classification Sherloc (09022015). Collection method: clinical testing. Allele origin: germline.
Comment: This sequence change replaces lysine, which is basic and polar, with arginine, which is basic and polar, at codon 205 of the NF1 protein (p.Lys205Arg). This variant is not present in population databases (gnomAD no frequency). This variant has not been reported in the literature in individuals affected with NF1-related conditions. ClinVar contains an entry for this variant (Variation ID: 480207). Invitae Evidence Modeling of protein sequence and biophysical properties (such as structural, functional, and spatial information, amino acid conservation, physicochemical variation, residue mobility, and thermodynamic stability) indicates that this missense variant is expected to disrupt NF1 protein function with a positive predictive value of 95%. In summary, the available evidence is currently insufficient to determine the role of this variant in disease. Therefore, it has been classified as a Variant of Uncertain Significance.

GeneDx
Classification: Uncertain significance. Last evaluated: 2024-11-12. Review status: criteria provided, single submitter. Criteria: GeneDx Variant Classification Process June 2021. Collection method: clinical testing. Allele origin: germline.
Comment: Not observed at significant frequency in large population cohorts (gnomAD); In silico analysis indicates that this missense variant does not alter protein structure/function; Has not been previously published as pathogenic or benign to our knowledge

Fulgent Genetics
Classification: Uncertain significance for Neurofibromatosis, type 1; Neurofibromatosis, familial spinal; Café-au-lait macules with pulmonary stenosis; Neurofibromatosis-Noonan syndrome; Juvenile myelomonocytic leukemia. Last evaluated: 2024-06-09. Review status: criteria provided, single submitter. Criteria: ACMG Guidelines, 2015. Collection method: clinical testing. Allele origin: germline.

Ambry Genetics
Classification: Uncertain significance for Cardiovascular phenotype; Hereditary cancer-predisposing syndrome. Last evaluated: 2023-12-06. Review status: criteria provided, single submitter. Criteria: Ambry Variant Classification Scheme 2023. Collection method: clinical testing. Allele origin: germline.
Comment: The p.K205R variant (also known as c.614A>G), located in coding exon 6 of the NF1 gene, results from an A to G substitution at nucleotide position 614. The lysine at codon 205 is replaced by arginine, an amino acid with highly similar properties. This amino acid position is highly conserved in available vertebrate species. In addition, the in silico prediction for this alteration is inconclusive. Since supporting evidence is limited at this time, the clinical significance of this alteration remains unclear.

Baylor Genetics
Classification: Uncertain significance for Juvenile myelomonocytic leukemia. Last evaluated: 2023-05-26. Review status: criteria provided, single submitter. Criteria: ACMG Guidelines, 2015. Collection method: clinical testing. Allele origin: unknown.

Genome-Nilou Lab
Classification: Uncertain significance for Neurofibromatosis, type 1. Last evaluated: 2022-03-15. Review status: criteria provided, single submitter. Criteria: ACMG Guidelines, 2015. Collection method: clinical testing. Allele origin: germline. Affected: no.